The following is an entry in ClinVar:

NM_138927.4(SON):c.1120del (p.Glu374fs)

Gene: SON (SON DNA and RNA binding protein; plus strand). Cytogenetic location: 21q22.11.
Variant type: Deletion.
Coding change: c.1120del on transcript NM_138927.4 (MANE Select); coding-DNA position 1120, one base deleted (G; older notation c.1120delG).
Protein change: p.Glu374fs; shifts the reading frame from glutamic acid 374.
Molecular consequence: frameshift variant. On other transcripts: non-coding transcript variant (1), intron variant (1).
Genome position (GRCh38, 1-based): chr21:33,550,351, G deleted; the last of 2 consecutive G bases (chr21:33,550,350-33,550,351); deleting either gives the same sequence. VCF-style (leftmost placement, unchanged base first): chr21-33550349-AG-A. GRCh37 (hg19) VCF-style: chr21-34922655-AG-A.
Other names: c.1120del, p.Glu374fs (NM_001291411.2, NM_032195.3); c.244+3972del (NM_001291412.3); short protein forms E374fs.
Identifiers: ClinVar variation 3723774 (VCV003723774.2).

ClinVar aggregate classification (germline): Pathogenic (1 of 4 stars; one submission).

Submission:

Labcorp Genetics (formerly Invitae), Labcorp
Classification: Pathogenic. Last evaluated: 2024-10-25. Review status: criteria provided, single submitter. Criteria: Invitae Variant Classification Sherloc (09022015). Collection method: clinical testing. Allele origin: germline.
Comment: This sequence change creates a premature translational stop signal (p.Glu374Serfs*26) in the SON gene. It is expected to result in an absent or disrupted protein product. Loss-of-function variants in SON are known to be pathogenic (PMID: 27545676, 27545680). This variant is not present in population databases (gnomAD no frequency). This variant has not been reported in the literature in individuals affected with SON-related conditions. For these reasons, this variant has been classified as Pathogenic.

Literature cited by the submitters: PubMed 27545676; PubMed 27545680.